The following is an entry in ClinVar:

ClinVar aggregate classification (germline): Pathogenic (1 of 4 stars; one submission).

Submission:

CeGaT Center for Human Genetics Tuebingen
Classification: Pathogenic. Last evaluated: 2024-03-01. Review status: criteria provided, single submitter. Criteria: CeGaT Center For Human Genetics Tuebingen Variant Classification Criteria Version 2. Collection method: clinical testing. Allele origin: germline. Affected: yes. Observed: 1 variant allele.
Comment: NF1: PVS1, PM2

NM_001042492.3(NF1):c.7883_7884dup (p.Tyr2629fs)

Gene: NF1 (neurofibromin 1; plus strand). Cytogenetic location: 17q11.2.
Variant type: Duplication.
Coding change: c.7883_7884dup on transcript NM_001042492.3 (MANE Select); coding-DNA positions 7883 to 7884, 2 bases duplicated (AA; older notation c.7883_7884dupAA).
Protein change: p.Tyr2629fs; shifts the reading frame from tyrosine 2629.
Molecular consequence: frameshift variant.
Genome position (GRCh38, 1-based): chr17:31,357,282-31,357,283, AA duplicated; duplicating any 2 consecutive bases within chr17:31,357,280-31,357,283 gives the same sequence; the c. name uses the placement nearest the transcript's 3' end. VCF-style (leftmost placement, unchanged base first): chr17-31357279-T-TAA. GRCh37 (hg19) VCF-style: chr17-29684297-T-TAA.
Other names: c.7820_7821dup, p.Tyr2608Asnfs (NM_000267.4); short protein forms Y2608fs, Y2629fs.
Identifiers: ClinVar variation 3067745 (VCV003067745.21), dbSNP rs2508829802, ClinGen allele CA2825002487.